The following is an entry in ClinVar:

ClinVar aggregate classification (germline): Uncertain significance (1 of 4 stars; one submission).

Conditions:
46,XY sex reversal 6. Also called: 46,XY GONADAL DYSGENESIS, PARTIAL OR COMPLETE, MAP3K1-RELATED; 46,XY SEX REVERSAL, PARTIAL OR COMPLETE, MAP3K1-RELATED. Identifiers: MedGen C3151064, MONDO:0013410, OMIM 613762.

Submission:

Labcorp Genetics (formerly Invitae), Labcorp
Classification: Uncertain significance for 46,XY sex reversal 6. Last evaluated: 2025-03-28. Review status: criteria provided, single submitter. Criteria: Invitae Variant Classification Sherloc (09022015). Collection method: clinical testing. Allele origin: germline.
Comment: This variant, c.92_94del, is a complex sequence change that results in the deletion of 2 and insertion of 1 amino acid(s) in the MAP3K1 protein (p.Leu31_Lys32delinsGln). This variant is not present in population databases (gnomAD no frequency). This variant has not been reported in the literature in individuals affected with MAP3K1-related conditions. Experimental studies and prediction algorithms are not available or were not evaluated, and the functional significance of this variant is currently unknown. In summary, the available evidence is currently insufficient to determine the role of this variant in disease. Therefore, it has been classified as a Variant of Uncertain Significance.

NM_005921.2(MAP3K1):c.92_94del (p.Leu31_Lys32delinsGln)

Genes: MAP3K1 (mitogen-activated protein kinase kinase kinase 1; plus strand), LOC129993918 (ATAC-STARR-seq lymphoblastoid silent region 16021; plus strand). Cytogenetic location: 5q11.2.
Variant type: Deletion.
Coding change: c.92_94del on transcript NM_005921.2 (MANE Select); coding-DNA positions 92 to 94, 3 bases deleted (TCA; older notation c.92_94delTCA).
Protein change: p.Leu31_Lys32delinsGln.
Molecular consequence: inframe indel.
Genome position (GRCh38, 1-based): chr5:56,815,665-56,815,667, TCA deleted. VCF-style (leftmost placement, unchanged base first): chr5-56815664-CTCA-C. GRCh37 (hg19) VCF-style: chr5-56111491-CTCA-C.
Identifiers: ClinVar variation 4715676 (VCV004715676.1).